The following is an entry in ClinVar:

ClinVar aggregate classification (germline): Uncertain significance. Review status: criteria provided, multiple submitters, no conflicts (2 of 4 stars). 2 submissions from 2 submitters: Uncertain significance (2). Last evaluated 2025-08-25.

Conditions:
Singleton-Merten syndrome 2 (SGMRT2). Identifiers: Orphanet 85191, MedGen C4225380, MONDO:0014575, OMIM 616298.

Allele frequency attached by ClinVar (database versions not stated): TOPMed 0.00001; gnomAD exomes 0.00002 and 0.00001; ExAC 0.00001.
gnomAD v4.1: 29 of 1,614,056 alleles (0.0018%); highest among the groups gnomAD compares: Non-Finnish European, 0.0023%; no homozygotes.

Submissions (2):

Labcorp Genetics (formerly Invitae), Labcorp
Classification: Uncertain significance. Last evaluated: 2025-08-25. Review status: criteria provided, single submitter. Criteria: Invitae Variant Classification Sherloc (09022015). Collection method: clinical testing. Allele origin: germline.
Comment: This sequence change replaces serine, which is neutral and polar, with leucine, which is neutral and non-polar, at codon 411 of the DDX58 protein (p.Ser411Leu). This variant is present in population databases (rs267602206, gnomAD 0.002%). This variant has not been reported in the literature in individuals affected with DDX58-related conditions. ClinVar contains an entry for this variant (Variation ID: 1341799). Invitae Evidence Modeling of protein sequence and biophysical properties (such as structural, functional, and spatial information, amino acid conservation, physicochemical variation, residue mobility, and thermodynamic stability) indicates that this missense variant is expected to disrupt DDX58 protein function with a positive predictive value of 80%. Experimental studies have shown that this missense change affects DDX58 function (PMID: 28180316). In summary, the available evidence is currently insufficient to determine the role of this variant in disease. Therefore, it has been classified as a Variant of Uncertain Significance.

New York Genome Center
Classification: Uncertain significance for Singleton-Merten syndrome 2. Last evaluated: 2021-02-11. Review status: criteria provided, single submitter. Criteria: NYGC Assertion Criteria 2020. Collection method: clinical testing. Allele origin: inherited. Observed: 1 heterozygote. Study: CSER-NYCKidSeq.
Comment: The inherited c.1232C>T (p.Ser411Leu) missense variant at the conserved DEAD box helicase domain in exon 9 of 18 of DDX58 has not been reported in affected individuals in the available literature, though functional studies for this variant was reported in a single publication [PMID: 28180316]. The variant is absent in gnomADv3 and seen at a very low frequency in gnomaAD v2 (2 heterozygotes, allele frequency=7.96e-6, no homozygotes) indicating it is not a common benign variant in the populations represented in this databases. In silico predictors suggest this variant is Damaging (Provean; score:-5.83; SIFT; score:0). Given the lack of evidence supporting its pathogenicity, the c.1232C>T (p.Ser411Leu) variant identified in the DDX58 gene is reported as a Variant of Uncertain Significance.

Literature cited by the submitters: PubMed 28180316 (cited by Labcorp Genetics (formerly Invitae), Labcorp).

NM_014314.4(RIGI):c.1232C>T (p.Ser411Leu)

Gene: RIGI (RNA sensor RIG-I; minus strand). Cytogenetic location: 9p21.1.
Variant type: single nucleotide variant.
Coding change: c.1232C>T on transcript NM_014314.4 (MANE Select); coding-DNA position 1232, C replaced by T.
Protein change: p.Ser411Leu; replaces serine 411 with leucine.
Molecular consequence: missense variant.
Genome position (GRCh38, 1-based): chr9:32,487,614, G>A on the plus strand (C>T on the coding strand, the complement: RIGI is on the minus strand). VCF-style: chr9-32487614-G-A. GRCh37 (hg19) VCF-style: chr9-32487612-G-A.
Other names: short protein forms S411L.
Identifiers: ClinVar variation 1341799 (VCV001341799.5), dbSNP rs267602206, ClinGen allele CA5019880.